The following is an entry in ClinVar:

ClinVar aggregate classification (germline): Uncertain significance (1 of 4 stars; one submission).

Conditions:
Muscular dystrophy-dystroglycanopathy (congenital with brain and eye anomalies), type a, 11 (MDDGA11). Also called: Congenital muscular dystrophy-dystroglycanopathy with brain and eye anomalies, type A11; WALKER-WARBURG SYNDROME OR MUSCLE-EYE-BRAIN DISEASE, B3GALNT2-RELATED; Muscular dystrophy-dystroglycanopathy (congenital with brain and eye anomalies, type A, 11. Identifiers: Orphanet 588, Orphanet 899, MedGen C3554638, MONDO:0014071, OMIM 615181.

Submission:

Labcorp Genetics (formerly Invitae), Labcorp
Classification: Uncertain significance for Muscular dystrophy-dystroglycanopathy (congenital with brain and eye anomalies), type a, 11. Last evaluated: 2019-10-23. Review status: criteria provided, single submitter. Criteria: Invitae Variant Classification Sherloc (09022015). Collection method: clinical testing. Allele origin: germline.
Comment: In summary, the available evidence is currently insufficient to determine the role of this variant in disease. Therefore, it has been classified as a Variant of Uncertain Significance. This variant has not been reported in the literature in individuals with B3GALNT2-related conditions. This variant is not present in population databases (ExAC no frequency). This sequence change results in a premature translational stop signal in the B3GALNT2 gene (p.Trp485Glufs*8). While this is not anticipated to result in nonsense mediated decay, it is expected to disrupt the last 16 amino acids of the B3GALNT2 protein.

NM_152490.5(B3GALNT2):c.1453_1454del (p.Trp485fs)

Genes: B3GALNT2 (beta-1,3-N-acetylgalactosaminyltransferase 2; minus strand), TBCE (tubulin folding cofactor E; plus strand). Cytogenetic location: 1q42.3.
Variant type: Microsatellite.
Coding change: c.1453_1454del on transcript NM_152490.5 (MANE Select); coding-DNA positions 1453 to 1454, 2 bases deleted (TG; older notation c.1453_1454delTG).
Protein change: p.Trp485fs; shifts the reading frame from tryptophan 485.
Molecular consequence: frameshift variant. On other transcripts: 3 prime UTR variant (4).
Genome position (GRCh38, 1-based): chr1:235,450,255-235,450,256, CA deleted on the plus strand (TG on the coding strand, the reverse complement: B3GALNT2 is on the minus strand); deleting any 2 consecutive bases within chr1:235,450,255-235,450,258 gives the same sequence; the c. name uses the placement nearest the transcript's 3' end. VCF-style (leftmost placement, unchanged base first): chr1-235450254-CCA-C. GRCh37 (hg19) VCF-style: chr1-235613569-CCA-C.
Other names: c.*1493CA[1] (NM_001079515.3, NM_001287801.2, NM_001287802.2 and 1 more transcripts); short protein forms W485fs.
Identifiers: ClinVar variation 943786 (VCV000943786.7), dbSNP rs1682814778, ClinGen allele CA2486505075.